The following is an entry in ClinVar:

NM_006904.7(PRKDC):c.11159C>T (p.Ala3720Val)

Gene: PRKDC (protein kinase, DNA-activated, catalytic subunit; minus strand). Cytogenetic location: 8q11.21.
Variant type: single nucleotide variant.
Coding change: c.11159C>T on transcript NM_006904.7 (MANE Select); coding-DNA position 11159, C replaced by T.
Protein change: p.Ala3720Val; replaces alanine 3720 with valine.
Molecular consequence: missense variant.
Genome position (GRCh38, 1-based): chr8:47,783,758, G>A on the plus strand (C>T on the coding strand, the complement: PRKDC is on the minus strand). VCF-style: chr8-47783758-G-A. GRCh37 (hg19) VCF-style: chr8-48696319-G-A.
Other names: c.11159C>T, p.Ala3720Val (NM_001081640.2); c.11159C>T (NM_006904.6); short protein forms A3720V.
Identifiers: ClinVar variation 1007802 (VCV001007802.2), dbSNP rs959711715, ClinGen allele CA176142414.

ClinVar aggregate classification (germline): Uncertain significance. Review status: criteria provided, multiple submitters, no conflicts (2 of 4 stars). 2 submissions from 2 submitters: Uncertain significance (2). Last evaluated 2024-01-23.

Conditions:
Severe combined immunodeficiency due to DNA-PKcs deficiency. Also called: IMMUNODEFICIENCY 26 WITH NEUROLOGIC ABNORMALITIES; Immunodeficiency 26 with or without neurologic abnormalities. Identifiers: Orphanet 317425, MedGen C4014833, MONDO:0014423, OMIM 615966.

Allele frequency attached by ClinVar (database versions not stated): gnomAD exomes below 0.00001; TOPMed 0.00001.
gnomAD v4.1: 1 of 1,613,924 alleles (0.000062%); highest among the groups gnomAD compares: Admixed American, 0.0017%; no homozygotes.

Submissions (2):

Ambry Genetics
Classification: Uncertain significance. Last evaluated: 2024-01-23. Review status: criteria provided, single submitter. Criteria: Ambry Variant Classification Scheme 2023. Collection method: clinical testing. Allele origin: germline.

Labcorp Genetics (formerly Invitae), Labcorp
Classification: Uncertain significance for Severe combined immunodeficiency due to DNA-PKcs deficiency. Last evaluated: 2020-01-12. Review status: criteria provided, single submitter. Criteria: Invitae Variant Classification Sherloc (09022015). Collection method: clinical testing. Allele origin: germline.
Comment: This sequence change replaces alanine with valine at codon 3720 of the PRKDC protein (p.Ala3720Val). The alanine residue is weakly conserved and there is a small physicochemical difference between alanine and valine. This variant is not present in population databases (ExAC no frequency). This variant has not been reported in the literature in individuals with PRKDC-related conditions. Experimental studies and prediction algorithms are not available or were not evaluated, and the functional significance of this variant is currently unknown. In summary, the available evidence is currently insufficient to determine the role of this variant in disease. Therefore, it has been classified as a Variant of Uncertain Significance.